The following is an entry in ClinVar:

ClinVar aggregate classification (germline): Likely benign (1 of 4 stars; one submission).

gnomAD v4.1: 518 of 1,606,064 alleles (0.032%); highest among the groups gnomAD compares: African/African-American, 0.61%; 1 homozygote.

Submission:

CeGaT Center for Human Genetics Tuebingen
Classification: Likely benign. Last evaluated: 2026-05-01. Review status: criteria provided, single submitter. Criteria: CeGaT Center For Human Genetics Tuebingen Variant Classification Criteria Version 2. Collection method: clinical testing. Allele origin: germline. Affected: yes. Observed: 1 variant allele.
Comment: ZBTB7A: BP4, BP7, BS1

NM_015898.4(ZBTB7A):c.1317G>A (p.Leu439=)

Gene: ZBTB7A (zinc finger and BTB domain containing 7A; minus strand). Cytogenetic location: 19p13.3.
Variant type: single nucleotide variant.
Coding change: c.1317G>A on transcript NM_015898.4 (MANE Select); coding-DNA position 1317, G replaced by A.
Protein change: p.Leu439=; no amino-acid change (leucine 439 retained).
Molecular consequence: synonymous variant.
Genome position (GRCh38, 1-based): chr19:4,048,190, C>T on the plus strand (G>A on the coding strand, the complement: ZBTB7A is on the minus strand). VCF-style: chr19-4048190-C-T. GRCh37 (hg19) VCF-style: chr19-4048188-C-T.
Other names: c.1317G>A, p.Leu439= (NM_001317990.2).
Identifiers: ClinVar variation 4872455 (VCV004872455.2).